The following is an entry in ClinVar:

ClinVar aggregate classification (germline): Uncertain significance (1 of 4 stars; one submission).

Allele frequency attached by ClinVar (database versions not stated): gnomAD exomes below 0.00001.
gnomAD v4.1: 1 of 1,611,462 alleles (0.000062%); highest among the groups gnomAD compares: African/African-American, 0.0013%; no homozygotes.

Submission:

Labcorp Genetics (formerly Invitae), Labcorp
Classification: Uncertain significance. Last evaluated: 2022-06-04. Review status: criteria provided, single submitter. Criteria: Invitae Variant Classification Sherloc (09022015). Collection method: clinical testing. Allele origin: germline.
Comment: In summary, the available evidence is currently insufficient to determine the role of this variant in disease. Therefore, it has been classified as a Variant of Uncertain Significance. Algorithms developed to predict the effect of missense changes on protein structure and function are either unavailable or do not agree on the potential impact of this missense change (SIFT: "Deleterious"; PolyPhen-2: "Probably Damaging"; Align-GVGD: "Class C0"). This variant has not been reported in the literature in individuals affected with DNAH9-related conditions. This variant is not present in population databases (gnomAD no frequency). This sequence change replaces leucine, which is neutral and non-polar, with methionine, which is neutral and non-polar, at codon 2949 of the DNAH9 protein (p.Leu2949Met).

NM_001372.4(DNAH9):c.8845C>A (p.Leu2949Met)

Gene: DNAH9 (dynein axonemal heavy chain 9; plus strand). Cytogenetic location: 17p12.
Variant type: single nucleotide variant.
Coding change: c.8845C>A on transcript NM_001372.4 (MANE Select); coding-DNA position 8845, C replaced by A.
Protein change: p.Leu2949Met; replaces leucine 2949 with methionine.
Molecular consequence: missense variant.
Genome position (GRCh38, 1-based): chr17:11,822,057, C>A. VCF-style: chr17-11822057-C-A. GRCh37 (hg19) VCF-style: chr17-11725374-C-A.
Other names: short protein forms L2949M.
Identifiers: ClinVar variation 2048036 (VCV002048036.4), dbSNP rs2544714905, ClinGen allele CA398199536.